The following is an entry in ClinVar:

NM_031206.7(LAS1L):c.1002C>T (p.Pro334=)

Gene: LAS1L (LAS1 like ribosome biogenesis factor; minus strand). Cytogenetic location: Xq12.
Variant type: single nucleotide variant.
Coding change: c.1002C>T on transcript NM_031206.7 (MANE Select); coding-DNA position 1002, C replaced by T.
Protein change: p.Pro334=; no amino-acid change (proline 334 retained).
Molecular consequence: synonymous variant. On other transcripts: non-coding transcript variant (1).
Genome position (GRCh38, 1-based): chrX:65,525,005, G>A on the plus strand (C>T on the coding strand, the complement: LAS1L is on the minus strand). VCF-style: chrX-65525005-G-A. GRCh37 (hg19) VCF-style: chrX-64744885-G-A.
Other names: c.1002C>T, p.Pro334= (NM_001170649.2, NM_001375328.1, NM_001375329.1 and 7 more transcripts); c.876C>T, p.Pro292= (NM_001170650.2); c.96C>T, p.Pro32= (NM_001375332.1).
Identifiers: ClinVar variation 780165 (VCV000780165.30), dbSNP rs146920304, ClinGen allele CA10433983.

ClinVar aggregate classification (germline): Likely benign. Review status: criteria provided, multiple submitters, no conflicts (2 of 4 stars). 2 submissions from 2 submitters: Likely benign (2). Last evaluated 2025-11-01.

Conditions:
Wilson-Turner syndrome (WTS). Also called: MENTAL RETARDATION, X-LINKED, SYNDROMIC 6; INTELLECTUAL DEVELOPMENTAL DISORDER, X-LINKED, SYNDROMIC, WILSON-TURNER TYPE. Identifiers: Orphanet 3459, MedGen C1839736, MONDO:0010665, OMIM 309585.

Allele frequency attached by ClinVar (database versions not stated): gnomAD exomes 0.00004 and 0.00018; ExAC 0.00006; TOPMed 0.00009; gnomAD 0.00011; ESP Exome Variant Server 0.00028.
gnomAD v4.1: 229 of 1,208,408 alleles (0.019%); highest among the groups gnomAD compares: Non-Finnish European, 0.022%; no homozygotes.

Submissions (2):

CeGaT Center for Human Genetics Tuebingen
Classification: Likely benign. Last evaluated: 2025-11-01. Review status: criteria provided, single submitter. Criteria: CeGaT Center For Human Genetics Tuebingen Variant Classification Criteria Version 2. Collection method: clinical testing. Allele origin: germline. Affected: yes. Observed: 2 variant alleles.
Comment: LAS1L: BP4, BP7, BS2

Labcorp Genetics (formerly Invitae), Labcorp
Classification: Likely benign for Wilson-Turner syndrome. Last evaluated: 2025-07-30. Review status: criteria provided, single submitter. Criteria: Invitae Variant Classification Sherloc (09022015). Collection method: clinical testing. Allele origin: germline.